The following is an entry in ClinVar:

NM_001128840.3(CACNA1D):c.6272C>T (p.Ala2091Val)

Gene: CACNA1D (calcium voltage-gated channel subunit alpha1 D; plus strand). Cytogenetic location: 3p21.1.
Variant type: single nucleotide variant.
Coding change: c.6272C>T on transcript NM_001128840.3 (MANE Select); coding-DNA position 6272, C replaced by T.
Protein change: p.Ala2091Val; replaces alanine 2091 with valine.
Molecular consequence: missense variant.
Genome position (GRCh38, 1-based): chr3:53,811,192, C>T. VCF-style: chr3-53811192-C-T. GRCh37 (hg19) VCF-style: chr3-53845219-C-T.
Other names: c.6332C>T, p.Ala2111Val (NM_000720.4); c.6200C>T, p.Ala2067Val (NM_001128839.3); short protein forms A2067V, A2111V, A2091V.
Identifiers: ClinVar variation 4764144 (VCV004764144.1).

ClinVar aggregate classification (germline): Uncertain significance (1 of 4 stars; one submission).

gnomAD v4.1: 7 of 1,613,908 alleles (0.00043%); highest among the groups gnomAD compares: South Asian, 0.0011%; no homozygotes.

Submission:

Labcorp Genetics (formerly Invitae), Labcorp
Classification: Uncertain significance. Last evaluated: 2025-06-25. Review status: criteria provided, single submitter. Criteria: Invitae Variant Classification Sherloc (09022015). Collection method: clinical testing. Allele origin: germline.
Comment: This sequence change replaces alanine, which is neutral and non-polar, with valine, which is neutral and non-polar, at codon 2111 of the CACNA1D protein (p.Ala2111Val). This variant is not present in population databases (gnomAD no frequency). This variant has not been reported in the literature in individuals affected with CACNA1D-related conditions. An algorithm developed to predict the effect of missense changes on protein structure and function (PolyPhen-2) suggests that this variant is likely to be disruptive. In summary, the available evidence is currently insufficient to determine the role of this variant in disease. Therefore, it has been classified as a Variant of Uncertain Significance.